The following is an entry in ClinVar:

NM_001006658.3(CR2):c.250T>C (p.Tyr84His)

Gene: CR2 (complement C3d receptor 2; plus strand). Cytogenetic location: 1q32.2.
Variant type: single nucleotide variant.
Coding change: c.250T>C on transcript NM_001006658.3 (MANE Select); coding-DNA position 250, T replaced by C.
Protein change: p.Tyr84His; replaces tyrosine 84 with histidine.
Molecular consequence: missense variant.
Genome position (GRCh38, 1-based): chr1:207,466,717, T>C. VCF-style: chr1-207466717-T-C. GRCh37 (hg19) VCF-style: chr1-207640062-T-C.
Other names: c.250T>C, p.Tyr84His (NM_001877.5); short protein forms Y84H.
Identifiers: ClinVar variation 651355 (VCV000651355.9), dbSNP rs1336533629, ClinGen allele CA344523309.

ClinVar aggregate classification (germline): Uncertain significance. Review status: criteria provided, multiple submitters, no conflicts (2 of 4 stars). 4 submissions from 4 submitters: Uncertain significance (4). Last evaluated 2024-08-12.

Conditions:
Inborn genetic diseases. Identifiers: MedGen C0950123, MeSH D030342.
Immunodeficiency, common variable, 7. Identifiers: Orphanet 1572, Orphanet 696894, MedGen C3542922, MONDO:0013862, OMIM 614699.

Allele frequency attached by ClinVar (database versions not stated): gnomAD 0.00002; gnomAD exomes below 0.00001; TOPMed below 0.00001.
gnomAD v4.1: 6 of 1,614,018 alleles (0.00037%); highest among the groups gnomAD compares: Admixed American, 0.0083%; no homozygotes.

Submissions (4):

ARUP Laboratories, Molecular Genetics and Genomics, ARUP Laboratories
Classification: Uncertain significance. Last evaluated: 2024-08-12. Review status: criteria provided, single submitter. Criteria: ARUP Molecular Germline Variant Investigation Process 2024. Collection method: clinical testing. Allele origin: germline.
Comment: The CR2 c.250T>C; p.Tyr84His variant (rs1336533629), to our knowledge, is not reported in the medical literature but is reported in ClinVar (Variation ID: 651355). This variant is found in the Admixed American population with an allele frequency of 0.0057% (2/35380 allele) in the Genome Aggregation Database (v2.1.1). Computational analyses are uncertain whether this variant is neutral or deleterious (REVEL: 0.150). Due to limited information, the clinical significance of this variant is uncertain at this time.

Ambry Genetics
Classification: Uncertain significance for Inborn genetic diseases. Last evaluated: 2023-05-17. Review status: criteria provided, single submitter. Criteria: Ambry Variant Classification Scheme 2023. Collection method: clinical testing. Allele origin: germline.

Genome-Nilou Lab
Classification: Uncertain significance for Immunodeficiency, common variable, 7. Last evaluated: 2023-04-11. Review status: criteria provided, single submitter. Criteria: ACMG Guidelines, 2015. Collection method: clinical testing. Allele origin: germline. Affected: no.

Labcorp Genetics (formerly Invitae), Labcorp
Classification: Uncertain significance for Immunodeficiency, common variable, 7. Last evaluated: 2022-10-22. Review status: criteria provided, single submitter. Criteria: Invitae Variant Classification Sherloc (09022015). Collection method: clinical testing. Allele origin: germline.
Comment: This sequence change replaces tyrosine, which is neutral and polar, with histidine, which is basic and polar, at codon 84 of the CR2 protein (p.Tyr84His). This variant is present in population databases (no rsID available, gnomAD 0.006%). This variant has not been reported in the literature in individuals affected with CR2-related conditions. ClinVar contains an entry for this variant (Variation ID: 651355). Algorithms developed to predict the effect of missense changes on protein structure and function are either unavailable or do not agree on the potential impact of this missense change (SIFT: "Tolerated"; PolyPhen-2: "Possibly Damaging"; Align-GVGD: "Class C0"). In summary, the available evidence is currently insufficient to determine the role of this variant in disease. Therefore, it has been classified as a Variant of Uncertain Significance.